The following is an entry in ClinVar:

ClinVar aggregate classification (germline): Likely pathogenic (1 of 4 stars; one submission).

Conditions:
Ehlers-Danlos syndrome, type 4 (EDSVASC). Also called: Ehlers-Danlos syndrome vascular type; Ehlers Danlos syndrome, ecchymotic type; Ehlers Danlos syndrome, arterial type; Ehlers Danlos syndrome, Sack-Barabas type; Ehlers-Danlos Syndrome Type IV. Identifiers: Orphanet 286, MedGen C0268338, MONDO:0017314, OMIM 130050.

Submission:

Labcorp Genetics (formerly Invitae), Labcorp
Classification: Likely pathogenic for Ehlers-Danlos syndrome, type 4. Last evaluated: 2024-11-06. Review status: criteria provided, single submitter. Criteria: Invitae Variant Classification Sherloc (09022015). Collection method: clinical testing. Allele origin: germline.
Comment: This sequence change replaces glycine, which is neutral and non-polar, with arginine, which is basic and polar, at codon 336 of the COL3A1 protein (p.Gly336Arg). This variant is not present in population databases (gnomAD no frequency). This missense change has been observed in individual(s) with Ehlers-Danlos syndrome (internal data). Invitae Evidence Modeling of protein sequence and biophysical properties (such as structural, functional, and spatial information, amino acid conservation, physicochemical variation, residue mobility, and thermodynamic stability) indicates that this missense variant is expected to disrupt COL3A1 protein function with a positive predictive value of 95%. This variant disrupts the triple helix domain of COL3A1. Glycine residues within the Gly-Xaa-Yaa repeats of the triple helix domain are required for the structure and stability of fibrillar collagens (PMID: 7695699, 8218237, 19344236). In COL3A1, variants that affect these glycine residues are significantly enriched in individuals with disease (PMID: 24922459, 25758994) compared to the general population (ExAC). In summary, the currently available evidence indicates that the variant is pathogenic, but additional data are needed to prove that conclusively. Therefore, this variant has been classified as Likely Pathogenic.

Literature cited by the submitters: PubMed 7695699; PubMed 8218237; PubMed 19344236; PubMed 24922459; PubMed 25758994.

NM_000090.4(COL3A1):c.1006G>C (p.Gly336Arg)

Gene: COL3A1 (collagen type III alpha 1 chain; plus strand). Cytogenetic location: 2q32.2.
Variant type: single nucleotide variant.
Coding change: c.1006G>C on transcript NM_000090.4 (MANE Select); coding-DNA position 1006, G replaced by C.
Protein change: p.Gly336Arg; replaces glycine 336 with arginine.
Molecular consequence: missense variant.
Genome position (GRCh38, 1-based): chr2:188,992,896, G>C. VCF-style: chr2-188992896-G-C. GRCh37 (hg19) VCF-style: chr2-189857622-G-C.
Other names: short protein forms G336R.
Identifiers: ClinVar variation 3725606 (VCV003725606.2).